The following is an entry in ClinVar:

NM_001352754.2(ARMC9):c.13C>G (p.Leu5Val)

Gene: ARMC9 (armadillo repeat containing 9; plus strand). Cytogenetic location: 2q37.1.
Variant type: single nucleotide variant.
Coding change: c.13C>G on transcript NM_001352754.2 (MANE Select); coding-DNA position 13, C replaced by G.
Protein change: p.Leu5Val; replaces leucine 5 with valine.
Molecular consequence: missense variant. On other transcripts: non-coding transcript variant (1).
Genome position (GRCh38, 1-based): chr2:231,206,251, C>G. VCF-style: chr2-231206251-C-G. GRCh37 (hg19) VCF-style: chr2-232070964-C-G.
Other names: c.13C>G, p.Leu5Val (NM_001271466.4, NM_001291656.2, NM_001352755.2 and 5 more transcripts); c.13C>G (NM_025139.3); short protein forms L5V.
Identifiers: ClinVar variation 967189 (VCV000967189.9), dbSNP rs376958829, ClinGen allele CA2159814.
Genomic context (GRCh38, chr2:231,206,251, plus strand): 5'-CTTCTAGAGATTTTTGCTGTGAGAATTAATTACCAGTAACAGTTCAATATGGGGGACATT[C>G]TGGCTCATGAATCTGAATTACTTGGACTAGTGAAAGAGGTAGGTATATTATACAAAGCAG-3'
Protein context (NP_001339683.2, residues 1-15): MGDI[Leu5Val]AHESELLGLV

ClinVar aggregate classification (germline): Conflicting classifications of pathogenicity. Review status: criteria provided, conflicting classifications (1 of 4 stars). 3 submissions from 3 submitters: Uncertain significance (2); Likely benign (1). Last evaluated 2026-01-05.

Conditions:
Inborn genetic diseases. Identifiers: MedGen C0950123, MeSH D030342.

Allele frequency attached by ClinVar (database versions not stated): gnomAD exomes 0.00007; ExAC 0.00012; ESP Exome Variant Server 0.00023; TOPMed 0.00030; gnomAD 0.00034 and 0.00036; 1000 Genomes Project 0.00040; 1000 Genomes Project 30x 0.00047.
gnomAD v4.1: 80 of 1,613,800 alleles (0.005%); highest among the groups gnomAD compares: African/African-American, 0.097%; no homozygotes.

Submissions (3):

Labcorp Genetics (formerly Invitae), Labcorp
Classification: Uncertain significance. Last evaluated: 2026-01-05. Review status: criteria provided, single submitter. Criteria: Invitae Variant Classification Sherloc (09022015). Collection method: clinical testing. Allele origin: germline.
Comment: This sequence change replaces leucine with valine at codon 5 of the ARMC9 protein (p.Leu5Val). The leucine residue is moderately conserved and there is a small physicochemical difference between leucine and valine. This variant is present in population databases (rs376958829, gnomAD 0.1%). This variant has not been reported in the literature in individuals affected with ARMC9-related conditions. ClinVar contains an entry for this variant (Variation ID: 967189). Experimental studies and prediction algorithms are not available or were not evaluated, and the functional significance of this variant is currently unknown. In summary, the available evidence is currently insufficient to determine the role of this variant in disease. Therefore, it has been classified as a Variant of Uncertain Significance.

Blueprint Genetics
Classification: Likely benign. Last evaluated: 2023-04-18. Review status: criteria provided, single submitter. Criteria: ACMG Guidelines, 2015. Collection method: clinical testing. Allele origin: germline.

Ambry Genetics
Classification: Uncertain significance for Inborn genetic diseases. Last evaluated: 2022-01-10. Review status: criteria provided, single submitter. Criteria: Ambry Variant Classification Scheme 2023. Collection method: clinical testing. Allele origin: germline.